The following is an entry in ClinVar:

NM_001127671.2(LIFR):c.2377C>T (p.Gln793Ter)

Gene: LIFR (LIF receptor subunit alpha; minus strand). Cytogenetic location: 5p13.1.
Variant type: single nucleotide variant.
Coding change: c.2377C>T on transcript NM_001127671.2 (MANE Select); coding-DNA position 2377, C replaced by T.
Protein change: p.Gln793Ter; replaces glutamine 793 with a stop codon.
Molecular consequence: nonsense.
Genome position (GRCh38, 1-based): chr5:38,485,939, G>A on the plus strand (C>T on the coding strand, the complement: LIFR is on the minus strand). VCF-style: chr5-38485939-G-A. GRCh37 (hg19) VCF-style: chr5-38486041-G-A.
Other names: c.2377C>T, p.Gln793Ter (NM_001364297.2, NM_001364298.2, NM_002310.6); short protein forms Q793*.
Identifiers: ClinVar variation 4069907 (VCV004069907.3).

ClinVar aggregate classification (germline): Likely pathogenic (1 of 4 stars; one submission).

Conditions:
Stuve-Wiedemann syndrome (STWS). Also called: Stüve-Wiedemann syndrome. Identifiers: Orphanet 3206, MedGen C0796176, MONDO:0031280.

Submission:

Natera, Inc.
Classification: Likely pathogenic for Stuve-Wiedemann syndrome. Last evaluated: 2025-03-14. Review status: criteria provided, single submitter. Criteria: Natera Variant Classification Schema (03/2026). Collection method: clinical testing. Allele origin: germline.
Comment: The c.2377C>T variant in LIFR is a nonsense variant predicted to introduce a stop codon at amino acid 793. This variant is expected to result in nonsense mediated decay, truncation, or a dysfunctional protein product. This variant is rare in the general population with a frequency below the threshold expected for the associated phenotype(s). Given the available evidence, this variant is classified as Likely Pathogenic.